The following is an entry in ClinVar:

ClinVar aggregate classification (germline): Uncertain significance (1 of 4 stars; one submission).

Conditions:
Nemaline myopathy 2 (NEM2). Also called: Nemaline myopathy 2, autosomal recessive. Identifiers: MedGen C1850569, MONDO:0009725, OMIM 256030.

Allele frequency attached by ClinVar (database versions not stated): gnomAD exomes below 0.00001 and 0.00001; ExAC 0.00001; ESP Exome Variant Server 0.00008.
gnomAD v4.1: 8 of 1,613,746 alleles (0.0005%); highest among the groups gnomAD compares: Non-Finnish European, 0.00068%; no homozygotes.

Submission:

Labcorp Genetics (formerly Invitae), Labcorp
Classification: Uncertain significance for Nemaline myopathy 2. Last evaluated: 2021-08-31. Review status: criteria provided, single submitter. Criteria: Invitae Variant Classification Sherloc (09022015). Collection method: clinical testing. Allele origin: germline.
Comment: This sequence change replaces methionine with isoleucine at codon 2220 of the NEB protein (p.Met2220Ile). The methionine residue is moderately conserved and there is a small physicochemical difference between methionine and isoleucine. This variant is present in population databases (rs199766131, ExAC 0.001%). This variant has not been reported in the literature in individuals affected with NEB-related conditions. Algorithms developed to predict the effect of missense changes on protein structure and function are either unavailable or do not agree on the potential impact of this missense change (SIFT: "Tolerated"; PolyPhen-2: "Not Available"; Align-GVGD: "Class C0"). Algorithms developed to predict the effect of sequence changes on RNA splicing suggest that this variant may create or strengthen a splice site. In summary, the available evidence is currently insufficient to determine the role of this variant in disease. Therefore, it has been classified as a Variant of Uncertain Significance.

NM_001164508.2(NEB):c.6660G>A (p.Met2220Ile)

Gene: NEB (nebulin; minus strand). Cytogenetic location: 2q23.3.
Variant type: single nucleotide variant.
Coding change: c.6660G>A on transcript NM_001164508.2 (MANE Select); coding-DNA position 6660, G replaced by A.
Protein change: p.Met2220Ile; replaces methionine 2220 with isoleucine.
Molecular consequence: missense variant.
Genome position (GRCh38, 1-based): chr2:151,655,859, C>T on the plus strand (G>A on the coding strand, the complement: NEB is on the minus strand). VCF-style: chr2-151655859-C-T. GRCh37 (hg19) VCF-style: chr2-152512373-C-T.
Other names: c.6660G>A, p.Met2220Ile (NM_001164507.2, NM_001271208.2, NM_004543.5); short protein forms M2220I.
Identifiers: ClinVar variation 572866 (VCV000572866.3), dbSNP rs199766131, ClinGen allele CA1910048.
Genomic context (GRCh38, chr2:151,655,859, plus strand): 5'-GGCCACTGTTCTCTGTACCTTGTTCATGGTATGTGCATTCTGCTTGGCAAGCACCATGTC[C>T]ATGGAATCAGTCAGCTTCTTAAACTGGAAGTTGCTCGGGTGCTGGCGGTATTTCTGATCA-3'
Protein context (NP_001157980.2, residues 2210-2230): NFQFKKLTDS[Met2220Ile]DMVLAKQNAH